The following is an entry in ClinVar:

ClinVar aggregate classification (germline): Likely benign. Review status: criteria provided, multiple submitters, no conflicts (2 of 4 stars). 2 submissions from 2 submitters: Likely benign (2). Last evaluated 2025-11-01.

gnomAD v4.1: 97 of 1,613,792 alleles (0.006%); highest among the groups gnomAD compares: African/African-American, 0.11%; no homozygotes.

Submissions (2):

CeGaT Center for Human Genetics Tuebingen
Classification: Likely benign. Last evaluated: 2025-11-01. Review status: criteria provided, single submitter. Criteria: CeGaT Center For Human Genetics Tuebingen Variant Classification Criteria Version 2. Collection method: clinical testing. Allele origin: germline. Affected: yes. Observed: 1 variant allele.
Comment: FLG: BP4, BP7

Blueprint Genetics
Classification: Likely benign. Last evaluated: 2022-07-13. Review status: criteria provided, single submitter. Criteria: ACMG Guidelines, 2015. Collection method: clinical testing. Allele origin: germline.

NM_002016.2(FLG):c.3345G>A (p.Gly1115=)

Genes: CCDST (cervical cancer associated DHX9 suppressive transcript; plus strand), FLG (filaggrin; minus strand). Cytogenetic location: 1q21.3.
Variant type: single nucleotide variant.
Coding change: c.3345G>A on transcript NM_002016.2 (MANE Select); coding-DNA position 3345, G replaced by A.
Protein change: p.Gly1115=; no amino-acid change (glycine 1115 retained).
Molecular consequence: synonymous variant.
Genome position (GRCh38, 1-based): chr1:152,311,541, C>T on the plus strand (G>A on the coding strand, the complement: FLG is on the minus strand). VCF-style: chr1-152311541-C-T. GRCh37 (hg19) VCF-style: chr1-152284017-C-T.
Identifiers: ClinVar variation 4533871 (VCV004533871.7).
Genomic context (GRCh38, chr1:152,311,541, plus strand): 5'-CCTGGTCCGCCCATGGGCAGACTCAGACTGTTCATGAGTGCTCACCTGGTAGATGAAAGA[C>T]CCTGAACGTCCAGACCTTCCCCCTGACCAGTCACGTGCGGACTCTTGGTGGCTCTGCTGA-3'
Protein context (NP_002007.1, residues 1105-1125): DWSGGRSGRS[Gly1115=]SFIYQVSTHE